The following is an entry in ClinVar:

ClinVar aggregate classification (germline): Benign/Likely benign. Review status: criteria provided, multiple submitters, no conflicts (2 of 4 stars). 2 submissions from 2 submitters: Benign (1); Likely benign (1). Last evaluated 2025-11-08.

Conditions:
Methylmalonic acidemia with homocystinuria, type cblX (MAHCX). Also called: INTELLECTUAL DEVELOPMENTAL DISORDER, X-LINKED 3. Identifiers: Orphanet 369962, MedGen C0796208, MONDO:0010657, OMIM 309541.

Allele frequency attached by ClinVar (database versions not stated): gnomAD 0.00006; TOPMed 0.00007.
gnomAD v4.1: 35 of 1,193,152 alleles (0.0029%); highest among the groups gnomAD compares: Admixed American, 0.038%; 1 homozygote.

Submissions (2):

Labcorp Genetics (formerly Invitae), Labcorp
Classification: Benign for Methylmalonic acidemia with homocystinuria, type cblX. Last evaluated: 2025-11-08. Review status: criteria provided, single submitter. Criteria: Invitae Variant Classification Sherloc (09022015). Collection method: clinical testing. Allele origin: germline.

CeGaT Center for Human Genetics Tuebingen
Classification: Likely benign. Last evaluated: 2022-12-01. Review status: criteria provided, single submitter. Criteria: CeGaT Center For Human Genetics Tuebingen Variant Classification Criteria Version 2. Collection method: clinical testing. Allele origin: germline. Affected: yes. Observed: 1 variant allele.
Comment: HCFC1: BP4, BP7, BS2

NM_005334.3(HCFC1):c.5217G>A (p.Thr1739=)

Gene: HCFC1 (host cell factor C1; minus strand). Cytogenetic location: Xq28.
Variant type: single nucleotide variant.
Coding change: c.5217G>A on transcript NM_005334.3 (MANE Select); coding-DNA position 5217, G replaced by A.
Protein change: p.Thr1739=; no amino-acid change (threonine 1739 retained).
Molecular consequence: synonymous variant.
Genome position (GRCh38, 1-based): chrX:153,951,884, C>T on the plus strand (G>A on the coding strand, the complement: HCFC1 is on the minus strand). VCF-style: chrX-153951884-C-T. GRCh37 (hg19) VCF-style: chrX-153217335-C-T.
Other names: c.5352G>A, p.Thr1784= (NM_001410705.1).
Identifiers: ClinVar variation 2661764 (VCV002661764.27), dbSNP rs782448816, ClinGen allele CA10556849.